The following is an entry in ClinVar:

NM_001111125.3(IQSEC2):c.1219G>A (p.Glu407Lys)

Gene: IQSEC2 (IQ motif and Sec7 domain ArfGEF 2; minus strand). Cytogenetic location: Xp11.22.
Variant type: single nucleotide variant.
Coding change: c.1219G>A on transcript NM_001111125.3 (MANE Select); coding-DNA position 1219, G replaced by A.
Protein change: p.Glu407Lys; replaces glutamic acid 407 with lysine.
Molecular consequence: missense variant.
Genome position (GRCh38, 1-based): chrX:53,254,712, C>T on the plus strand (G>A on the coding strand, the complement: IQSEC2 is on the minus strand). VCF-style: chrX-53254712-C-T. GRCh37 (hg19) VCF-style: chrX-53283894-C-T.
Other names: c.1219G>A, p.Glu407Lys (NM_001410736.1); c.604G>A, p.Glu202Lys (NM_015075.2); short protein forms E202K, E407K.
Identifiers: ClinVar variation 1708668 (VCV001708668.8), dbSNP rs2519838598, ClinGen allele CA413169477.

ClinVar aggregate classification (germline): Uncertain significance. Review status: criteria provided, multiple submitters, no conflicts (2 of 4 stars). 2 submissions from 2 submitters: Uncertain significance (2). Last evaluated 2025-05-20.

Conditions:
Intellectual developmental disorder, X-linked 1. Also called: MENTAL RETARDATION, X-LINKED 18; MENTAL RETARDATION, X-LINKED 78; Intellectual disability, X-linked 1; Atkin Flaitz Patil Smith syndrome. Identifiers: Orphanet 777, MedGen C2931498, MONDO:0010656, OMIM 309530.

Allele frequency attached by ClinVar (database versions not stated): gnomAD exomes below 0.00001.
gnomAD v4.1: 1 of 1,207,088 alleles (0.000083%); highest among the groups gnomAD compares: South Asian, 0.0018%; no homozygotes.

Submissions (2):

GeneDx
Classification: Uncertain significance. Last evaluated: 2025-05-20. Review status: criteria provided, single submitter. Criteria: GeneDx Variant Classification Process June 2021. Collection method: clinical testing. Allele origin: germline. Affected: yes.
Comment: Not observed at significant frequency in large population cohorts (gnomAD); In silico analysis suggests that this missense variant does not alter protein structure/function; Has not been previously published as pathogenic or benign to our knowledge

Labcorp Genetics (formerly Invitae), Labcorp
Classification: Uncertain significance for Intellectual developmental disorder, X-linked 1. Last evaluated: 2023-11-27. Review status: criteria provided, single submitter. Criteria: Invitae Variant Classification Sherloc (09022015). Collection method: clinical testing. Allele origin: germline.
Comment: This sequence change replaces glutamic acid, which is acidic and polar, with lysine, which is basic and polar, at codon 407 of the IQSEC2 protein (p.Glu407Lys). This variant is not present in population databases (gnomAD no frequency). This variant has not been reported in the literature in individuals affected with IQSEC2-related conditions. ClinVar contains an entry for this variant (Variation ID: 1708668). Advanced modeling of protein sequence and biophysical properties (such as structural, functional, and spatial information, amino acid conservation, physicochemical variation, residue mobility, and thermodynamic stability) performed at Invitae indicates that this missense variant is not expected to disrupt IQSEC2 protein function with a negative predictive value of 95%. In summary, the available evidence is currently insufficient to determine the role of this variant in disease. Therefore, it has been classified as a Variant of Uncertain Significance.